The following is an entry in ClinVar:

NM_000092.5(COL4A4):c.2638del (p.Ala880fs)

Gene: COL4A4 (collagen type IV alpha 4 chain; minus strand). Cytogenetic location: 2q36.3.
Variant type: Deletion.
Coding change: c.2638del on transcript NM_000092.5 (MANE Select); coding-DNA position 2638, one base deleted (G; older notation c.2638delG).
Protein change: p.Ala880fs; shifts the reading frame from alanine 880.
Molecular consequence: frameshift variant.
Genome position (GRCh38, 1-based): chr2:227,056,023, C deleted on the plus strand (G on the coding strand, the reverse complement: COL4A4 is on the minus strand); the first of 4 consecutive C bases (chr2:227,056,023-227,056,026); deleting any one gives the same sequence. VCF-style (leftmost placement, unchanged base first): chr2-227056022-GC-G. GRCh37 (hg19) VCF-style: chr2-227920738-GC-G.
Other names: p.Ala880Hisfs*70; c.2638delG (NM_000092.4, NM_000092.5); short protein forms A880fs.
Identifiers: ClinVar variation 550471 (VCV000550471.27), dbSNP rs778043831, ClinGen allele CA2144752.

ClinVar aggregate classification (germline): Pathogenic. Review status: criteria provided, multiple submitters, no conflicts (2 of 4 stars). 11 submissions from 11 submitters: Pathogenic (10). 1 of the submissions does not count toward it. Last evaluated 2026-10-09.

Conditions:
COL4A4-related disorder.
Hematuria, benign familial, 1 (BFH1). Also called: THIN MEMBRANE NEPHROPATHY. Identifiers: MedGen CN376803, MONDO:0007709, OMIM 141200.
Autosomal recessive Alport syndrome (ATS2). Also called: ALPORT SYNDROME 2, AUTOSOMAL RECESSIVE; COL4A4 Alport Syndrome and Thin Basement Membrane Nephropathy; Alport syndrome type 2; COL4A3-Related Nephropathy. Identifiers: Orphanet 63, Orphanet 88919, MedGen C4746745, MONDO:0008762, OMIM 203780.
Alport syndrome. Also called: Hemorrhagic familial nephritis; Hemorrhagic hereditary nephritis; Congenital hereditary hematuria. Identifiers: Orphanet 63, MedGen C1567741, MONDO:0018965.
Glomerulonephritis. Also called: Glomerulonephritis (disease). Identifiers: MedGen C0017658, MONDO:0002462, HP:0000099.
Hematuria. Identifiers: MedGen C0018965, HP:0000790.

Submissions (11):

GeneDx
Classification: Pathogenic. Last evaluated: 2026-10-09. Review status: criteria provided, single submitter. Criteria: GeneDx Variant Classification Process June 2021. Collection method: clinical testing. Allele origin: germline.
Comment: Reported in the heterozygous state in a patient with hematuria and proteinuria in published literature (PMID: 32939031); Frameshift variant predicted to result in protein truncation or nonsense mediated decay in a gene for which loss of function is a known mechanism of disease; This variant is associated with the following publications: (PMID: 17216251, 12325029, 24052634, 32939031)

Genetics Laboratory, Great Ormond Street Hospital NHS Foundation Trust, North Thames Genomic Laboratory Hub
Classification: Pathogenic for Haematuria. Last evaluated: 2026-09-10. Review status: criteria provided, single submitter. Criteria: ACGS Best Practice Guidelines for Variant Classification in Rare Disease 2024 v1.2. Collection method: clinical testing. Allele origin: germline. Affected: yes.
Comment: PS4_moderate, PM2_moderate, PVS1_very-strong, PM3_moderate

Labcorp Genetics (formerly Invitae), Labcorp
Classification: Pathogenic. Last evaluated: 2026-01-21. Review status: criteria provided, single submitter. Criteria: Invitae Variant Classification Sherloc (09022015). Collection method: clinical testing. Allele origin: germline.
Comment: This sequence change creates a premature translational stop signal (p.Ala880Hisfs*70) in the COL4A4 gene. It is expected to result in an absent or disrupted protein product. Loss-of-function variants in COL4A4 are known to be pathogenic (PMID: 21196518, 24854265, 25307543). This variant is present in population databases (rs778043831, gnomAD 0.01%). This premature translational stop signal has been observed in individuals with Alport syndrome (PMID: 12325029, 17216251, 24052634). This variant is also known as 2864delG. ClinVar contains an entry for this variant (Variation ID: 550471). For these reasons, this variant has been classified as Pathogenic.

Natera, Inc.
Classification: Pathogenic for Alport syndrome. Last evaluated: 2025-06-23. Review status: criteria provided, single submitter. Criteria: Natera Variant Classification Schema (03/2026). Collection method: clinical testing. Allele origin: germline.
Comment: The c.2638delG variant in COL4A4 is a frameshift variant predicted to shift the reading frame beginning at codon 880 and leads to a stop codon 70 codons downstream. This variant is expected to result in nonsense mediated decay, truncation, or a dysfunctional protein product. This variant is rare in the general population with a frequency below the threshold expected for the associated phenotype(s). This variant has been observed in one or more individuals affected with the associated recessive disease, as either homozygous or compound heterozygous with a second variant (PMID: 24052634, 30506145). Given the available evidence, this variant is classified as Pathogenic.

PreventionGenetics, part of Exact Sciences
Classification: Pathogenic for COL4A4-related condition. Last evaluated: 2025-03-10. Review status: criteria provided, single submitter. Criteria: ACMG Guidelines, 2015. Collection method: clinical testing. Allele origin: germline.
Comment: The COL4A4 c.2638delG variant is predicted to result in a frameshift and premature protein termination (p.Ala880Hisfs*70). This variant has been reported to be disease causing for autosomal recessive Alport syndrome and autosomal dominant thin glomerular basement membrane disease (TBMD) (see for example, Dagher et al. 2002. PubMed ID: 12325029; Jayasinghe et al. 2020. PubMed ID: 32939031, Suppl. Table S2). This variant is reported in 0.013% of alleles in individuals of African descent in gnomAD. Frameshift variants in COL4A4 are expected to be pathogenic. This variant is interpreted as pathogenic.

Fulgent Genetics
Classification: Pathogenic for Hematuria, benign familial, 1; Autosomal recessive Alport syndrome. Last evaluated: 2024-05-30. Review status: criteria provided, single submitter. Criteria: ACMG Guidelines, 2015. Collection method: clinical testing. Allele origin: germline.

Mayo Clinic Laboratories, Mayo Clinic
Classification: Pathogenic. Last evaluated: 2024-02-15. Review status: criteria provided, single submitter. Criteria: ACMG Guidelines, 2015. Collection method: clinical testing. Allele origin: germline. Observed: 1 variant allele.
Comment: PM3_strong, PS4_moderate, PVS1

Victorian Clinical Genetics Services, Murdoch Childrens Research Institute
Classification: Pathogenic for Hematuria, benign familial, 1. Last evaluated: 2023-07-17. Review status: criteria provided, single submitter. Criteria: ACMG Guidelines, 2015. Collection method: clinical testing. Allele origin: germline. Inheritance: Autosomal dominant inheritance. Affected: yes.
Comment: Based on the classification scheme VCGS_Germline_v1.3.4, this variant is classified as Pathogenic. Following criteria are met: 0103 - Loss of function is a known mechanism of disease for this gene and is associated with Alport syndrome 2 (MIM#203780 and thin basement membrane nephropathy (MIM#141200). Dominant negative is a suspected mechanism of disease for this gene as it is a structural protein (PMIDs: 12028435, 24046192). (I) 0108 - This gene is associated with both recessive and dominant disease. Alport syndrome typically has biallelic inheritance, although rare cases of monoallelic inheritance have been reported (PMID: 28704582). Thin basement membrane nephropathy (TBMN) and focal segmental glomerulosclerosis (FSGS) are associated with autosomal dominant inheritance (OMIM, PMIDs: 16467446, 17942953). (I) 0201 - Variant is predicted to cause nonsense-mediated decay (NMD) and loss of protein (premature termination codon is located at least 54 nucleotides upstream of the final exon-exon junction). (SP) 0251 - This variant is heterozygous. (I) 0304 - Variant is present in gnomAD (v3) <0.01 (3 heterozygotes, 0 homozygotes). (SP) 0701 - Other NMD-predicted variants comparable to the one identified in this case have very strong previous evidence for pathogenicity (DECIPHER). (SP) 0801 - This variant has strong previous evidence of pathogenicity in unrelated individuals. This variant has been classified as pathogenic by multiple clinical laboratories in ClinVar, and has been observed in individuals with recessive and dominant Alport syndrome (PMIDs: 24052634, 36239278, 17216251). (SP) 1208 - Inheritance information for this variant is not currently available in this individual. (I) Legend: (SP) - Supporting pathogenic, (I) - Information, (SB) - Supporting benign

Molecular Genetics, Royal Melbourne Hospital
Classification: Pathogenic for Alport syndrome. Last evaluated: 2023-04-11. Review status: criteria provided, single submitter. Criteria: ACMG Guidelines, 2015. Collection method: clinical testing. Allele origin: germline. Affected: yes.
Comment: This sequence change in COL4A4 is a frameshift variant predicted to cause a premature stop codon, p.(Ala880Hisfs*70), in biologically relevant exon 31/48 leading to nonsense-mediated decay in a gene in which loss of function is an established disease mechanism (PMID: 20301386). The highest population minor allele frequency in the population database gnomAD v2.1 is 0.01% (2/15,438 alleles) in the African/African American population. This variant has been detected in at least two unrelated individuals with Alport syndrome. Of those individuals, one individual was homozygous and one compound heterozygous for the variant and a pathogenic variant was confirmed in trans by family testing (PMID: 24052634). The variant has been reported to segregate with haematuria in heterozygous individuals from at least two families (PMID: 12325029, 30506145). Based on the classification scheme RMH Modified ACMG/AMP Guidelines v1.6.1, this variant is classified as PATHOGENIC. Following criteria are met: PVS1, PM3, PP1.

UNC Molecular Genetics  Laboratory, University of North Carolina at Chapel Hill
Classification: Pathogenic for Glomerulonephritis. Last evaluated: 2021-01-08. Review status: criteria provided, single submitter. Criteria: ACMG Guidelines, 2015. Collection method: clinical testing. Allele origin: germline. Affected: yes. Observed: 1 heterozygote.

Counsyl
Classification: Pathogenic for Autosomal recessive Alport syndrome. Last evaluated: 2017-01-27. Review status: no assertion criteria provided. Collection method: clinical testing. Allele origin: unknown. Not counted in ClinVar's aggregate classification.

Literature cited by the submitters: PubMed 21196518 (cited by Labcorp Genetics (formerly Invitae), Labcorp); PubMed 24854265 (cited by Labcorp Genetics (formerly Invitae), Labcorp); PubMed 25307543 (cited by Labcorp Genetics (formerly Invitae), Labcorp); PubMed 12325029 (cited by 4 submitters); PubMed 17216251 (cited by 4 submitters); PubMed 24052634 (cited by 7 submitters); PubMed 30506145 (cited by 3 submitters); PubMed 32939031 (cited by Mayo Clinic Laboratories, Mayo Clinic); PubMed 36239278 (cited by Mayo Clinic Laboratories, Mayo Clinic and Victorian Clinical Genetics Services, Murdoch Childrens Research Institute); PubMed 12028435 (cited by Victorian Clinical Genetics Services, Murdoch Childrens Research Institute); PubMed 16467446 (cited by Victorian Clinical Genetics Services, Murdoch Childrens Research Institute); PubMed 17942953 (cited by Victorian Clinical Genetics Services, Murdoch Childrens Research Institute); PubMed 24046192 (cited by Victorian Clinical Genetics Services, Murdoch Childrens Research Institute); PubMed 28704582 (cited by Victorian Clinical Genetics Services, Murdoch Childrens Research Institute); PubMed 20301386 (cited by Molecular Genetics, Royal Melbourne Hospital).